The following is an entry in ClinVar:

NM_144997.7(FLCN):c.872-13A>G

Gene: FLCN (folliculin; minus strand). Cytogenetic location: 17p11.2.
Variant type: single nucleotide variant.
Coding change: c.872-13A>G on transcript NM_144997.7 (MANE Select); 13 bases into the intron before coding-DNA position 872, A replaced by G.
Molecular consequence: intron variant.
Genome position (GRCh38, 1-based): chr17:17,219,222, T>C on the plus strand (A>G on the coding strand, the complement: FLCN is on the minus strand). VCF-style: chr17-17219222-T-C. GRCh37 (hg19) VCF-style: chr17-17122536-T-C.
Other names: c.872-13A>G (LRG_325t1, NM_001353231.2, NM_001353230.2 and 1 more transcripts); c.926-13A>G (NM_001353229.2).
Identifiers: ClinVar variation 262549 (VCV000262549.37), dbSNP rs114970273, ClinGen allele CA8416205.

ClinVar aggregate classification (germline): Benign. Review status: criteria provided, multiple submitters, no conflicts (2 of 4 stars). 14 submissions from 13 submitters: Benign (14). Last evaluated 2026-02-04.

Conditions:
Hereditary cancer-predisposing syndrome. Also called: Tumor predisposition; Neoplastic Syndromes, Hereditary; Hereditary neoplastic syndrome; Hereditary Cancer Syndrome. Identifiers: Orphanet 140162, MedGen C0027672, MeSH D009386, MONDO:0015356.
Nonpapillary renal cell carcinoma. Identifiers: Orphanet 422526, MedGen CN074294, MONDO:0007763, OMIM 144700.
Familial spontaneous pneumothorax (PSP). Identifiers: Orphanet 2903, MedGen C1868193, MONDO:0008259, OMIM 173600.
Colorectal cancer. Also called: Malignant Colorectal Neoplasm; Colorectal cancer, somatic. Identifiers: MedGen C0346629, MONDO:0005575, OMIM 114500.
Birt-Hogg-Dube syndrome 1 (BHD1). Also called: FIBROFOLLICULOMAS WITH TRICHODISCOMAS AND ACROCHORDONS. Identifiers: Orphanet 122, MedGen CN375946, MONDO:0800445, OMIM 135150.
Birt-Hogg-Dube syndrome. Also called: Birt Hogg Dubé syndrome. Identifiers: Orphanet 122, MedGen C0346010, MONDO:0800444.

Allele frequency attached by ClinVar (database versions not stated): gnomAD exomes 0.00150 and 0.00414; ExAC 0.00502; gnomAD 0.01538 and 0.01651; TOPMed 0.01655; ESP Exome Variant Server 0.01745; 1000 Genomes Project 30x 0.01796; 1000 Genomes Project 0.01797.
gnomAD v4.1: 4,650 of 1,613,266 alleles (0.29%); highest among the groups gnomAD compares: African/African-American, 5.2%; 99 homozygotes.

Submissions (14):

Labcorp Genetics (formerly Invitae), Labcorp
Classification: Benign for Birt-Hogg-Dube syndrome. Last evaluated: 2026-02-04. Review status: criteria provided, single submitter. Criteria: Invitae Variant Classification Sherloc (09022015). Collection method: clinical testing. Allele origin: germline.

Center for Genomic Medicine, Rigshospitalet, Copenhagen University Hospital
Classification: Benign. Last evaluated: 2025-03-04. Review status: criteria provided, single submitter. Criteria: ACMG Guidelines, 2015. Collection method: clinical testing. Allele origin: germline.

ARUP Laboratories, Molecular Genetics and Genomics, ARUP Laboratories
Classification: Benign. Last evaluated: 2025-02-28. Review status: criteria provided, single submitter. Criteria: ARUP Molecular Germline Variant Investigation Process 2024. Collection method: clinical testing. Allele origin: germline.

Myriad Genetics, Inc.
Classification: Benign for Birt-Hogg-Dube syndrome 1. Last evaluated: 2024-10-23. Review status: criteria provided, single submitter. Criteria: Myriad Autosomal Dominant, Autosomal Recessive and X-Linked Classification Criteria (2023). Collection method: clinical testing. Allele origin: unknown.
Comment: This variant is considered benign. This variant is intronic and is not expected to impact mRNA splicing. This variant has been observed at a population frequency that is significantly greater than expected given the associated disease prevalence and penetrance.

KCCC/NGS Laboratory, Kuwait Cancer Control Center
Classification: Benign for Birt-Hogg-Dube syndrome 1. Last evaluated: 2023-07-07. Review status: criteria provided, single submitter. Criteria: ACMG Guidelines, 2015. Collection method: clinical testing. Allele origin: germline. Affected: yes.

Department of Pathology and Laboratory Medicine, Sinai Health System
Classification: Benign for Birt-Hogg-Dube syndrome 1; Colorectal cancer; Familial spontaneous pneumothorax; Nonpapillary renal cell carcinoma. Last evaluated: 2021-08-19. Review status: criteria provided, single submitter. Criteria: ACMG Guidelines, 2015. Collection method: clinical testing. Allele origin: germline. Affected: yes.

Sema4
Classification: Benign for Hereditary cancer-predisposing syndrome. Last evaluated: 2020-02-24. Review status: criteria provided, single submitter. Criteria: Sema4 Curation Guidelines. Collection method: curation. Allele origin: germline.

Illumina Laboratory Services, Illumina
Classification: Benign for Familial spontaneous pneumothorax. Last evaluated: 2018-01-13. Review status: criteria provided, single submitter. Criteria: ICSL Variant Classification Criteria 13 December 2019. Collection method: clinical testing. Allele origin: germline.
Comment: This variant was observed in the ICSL laboratory as part of a predisposition screen in an ostensibly healthy population. It had not been previously curated by ICSL or reported in the Human Gene Mutation Database (HGMD: prior to June 1st, 2018), and was therefore a candidate for classification through an automated scoring system. Utilizing variant allele frequency, disease prevalence and penetrance estimates, and inheritance mode, an automated score was calculated to assess if this variant is too frequent to cause the disease. Based on the score and internal cut-off values, a variant classified as benign is not then subjected to further curation. The score for this variant resulted in a classification of benign for this disease.

Illumina Laboratory Services, Illumina
Classification: Benign for Birt-Hogg-Dube syndrome 1. Last evaluated: 2018-01-13. Review status: criteria provided, single submitter. Criteria: ICSL Variant Classification Criteria 13 December 2019. Collection method: clinical testing. Allele origin: germline.
Comment: the same text as in the submission from Illumina Laboratory Services, Illumina above.

Eurofins Ntd Llc (ga)
Classification: Benign. Last evaluated: 2017-02-01. Review status: criteria provided, single submitter. Criteria: EGL Classification Definitions 2015. Collection method: clinical testing. Allele origin: germline. Observed: 1 variant allele, 1 heterozygote.

Women's Health and Genetics/Laboratory Corporation of America, LabCorp
Classification: Benign. Last evaluated: 2016-05-04. Review status: criteria provided, single submitter. Criteria: LabCorp Variant Classification Summary - May 2015. Collection method: clinical testing. Allele origin: germline.
Comment: Variant summary: The FLCN variant, c.872-13A>G is located at a non-conserved intronic position, not widely known to affect splicing, with 4/5 in silico programs via Alamut predicting no significant effect on splicing, although these predictions have yet to be functionally assessed. The variant of interest was observed in the large, broad control population, ExAC, with an allele frequency of 608/121210 (1/199 including 12 homozygotes), which exceeds the estimated maximum expected allele frequency for a pathogenic FLCN variant of 1/769230. The variant of interest, to our knowledge, has not been reported in affected individuals via publications. A reputable clinical laboratory cites the variant as a "VOUS," although this evaluation was done prior to the availability of the ExAC population. Therefore, taking all available lines of evidence into consideration, the variant of interest is classified as Benign.

GeneDx
Classification: Benign. Last evaluated: 2015-03-03. Review status: criteria provided, single submitter. Criteria: GeneDx Variant Classification Process June 2021. Collection method: clinical testing. Allele origin: germline. Affected: yes.

Breakthrough Genomics
Classification: Benign. Review status: criteria provided, single submitter. Criteria: ACMG Guidelines, 2015. Collection method: not provided. Allele origin: germline. Inheritance: Autosomal dominant inheritance. Affected: yes.

PreventionGenetics, part of Exact Sciences
Classification: Benign. Review status: criteria provided, single submitter. Criteria: ACMG Guidelines, 2015. Collection method: clinical testing. Allele origin: germline.